The following is an entry in ClinVar:

NM_182746.3(MCM4):c.1264C>G (p.Arg422Gly)

Gene: MCM4 (minichromosome maintenance complex component 4; plus strand). Cytogenetic location: 8q11.21.
Variant type: single nucleotide variant.
Coding change: c.1264C>G on transcript NM_182746.3 (MANE Select); coding-DNA position 1264, C replaced by G.
Protein change: p.Arg422Gly; replaces arginine 422 with glycine.
Molecular consequence: missense variant.
Genome position (GRCh38, 1-based): chr8:47,969,887, C>G. VCF-style: chr8-47969887-C-G. GRCh37 (hg19) VCF-style: chr8-48882447-C-G.
Other names: c.1264C>G, p.Arg422Gly (NM_005914.4); short protein forms R422G.
Identifiers: ClinVar variation 3662271 (VCV003662271.2).
Genomic context (GRCh38, chr8:47,969,887, plus strand): 5'-AATCCAAGAGTGAGTAATGTGAAGTCTGTCTACAAAACCCACATTGATGTCATTCATTAT[C>G]GGAAAACGGATGCAAAACGTCTGCATGGCCTTGATGAAGAAGCAGAACAGAAACTTTTTT-3'
Protein context (NP_877423.1, residues 412-432): YKTHIDVIHY[Arg422Gly]KTDAKRLHGL

ClinVar aggregate classification (germline): Uncertain significance (1 of 4 stars; one submission).

gnomAD v4.1: 7 of 1,614,094 alleles (0.00043%); highest among the groups gnomAD compares: Non-Finnish European, 0.00025%; no homozygotes.

Submission:

Labcorp Genetics (formerly Invitae), Labcorp
Classification: Uncertain significance. Last evaluated: 2024-08-14. Review status: criteria provided, single submitter. Criteria: Invitae Variant Classification Sherloc (09022015). Collection method: clinical testing. Allele origin: germline.
Comment: This sequence change replaces arginine, which is basic and polar, with glycine, which is neutral and non-polar, at codon 422 of the MCM4 protein (p.Arg422Gly). This variant is present in population databases (no rsID available, gnomAD 0.03%). This variant has not been reported in the literature in individuals affected with MCM4-related conditions. Invitae Evidence Modeling of protein sequence and biophysical properties (such as structural, functional, and spatial information, amino acid conservation, physicochemical variation, residue mobility, and thermodynamic stability) has been performed for this missense variant. However, the output from this modeling did not meet the statistical confidence thresholds required to predict the impact of this variant on MCM4 protein function. In summary, the available evidence is currently insufficient to determine the role of this variant in disease. Therefore, it has been classified as a Variant of Uncertain Significance.